The following is an entry in ClinVar:

NM_001171.6(ABCC6):c.724G>T (p.Glu242Ter)

Gene: ABCC6 (ATP binding cassette subfamily C member 6; minus strand). Cytogenetic location: 16p13.11.
Variant type: single nucleotide variant.
Coding change: c.724G>T on transcript NM_001171.6 (MANE Select); coding-DNA position 724, G replaced by T.
Protein change: p.Glu242Ter; replaces glutamic acid 242 with a stop codon.
Molecular consequence: nonsense. On other transcripts: non-coding transcript variant (1).
Genome position (GRCh38, 1-based): chr16:16,208,798, C>A on the plus strand (G>T on the coding strand, the complement: ABCC6 is on the minus strand). VCF-style: chr16-16208798-C-A. GRCh37 (hg19) VCF-style: chr16-16302655-C-A.
Other names: c.382G>T, p.Glu128Ter (NM_001351800.1); short protein forms E242*, E128*.
Identifiers: ClinVar variation 433301 (VCV000433301.6), dbSNP rs72650697, ClinGen allele CA278668677.

ClinVar aggregate classification (germline): Pathogenic/Likely pathogenic. Review status: criteria provided, multiple submitters, no conflicts (2 of 4 stars). 5 submissions from 5 submitters: Pathogenic (2); Likely pathogenic (2). 1 of the submissions does not count toward it. Last evaluated 2026-01-16.

Conditions:
ABCC6-related disorder. Also called: ABCC6-related condition.
Autosomal recessive inherited pseudoxanthoma elasticum (PXE). Identifiers: Orphanet 758, MedGen CN032334, MONDO:0009925, OMIM 264800.
Congenital alveolar dysplasia due to TBX4. Identifiers: MedGen CN305465, MONDO:0100097.
Arterial calcification, generalized, of infancy, 2. Identifiers: Orphanet 51608, MedGen C3276161, MONDO:0013768, OMIM 614473.
Pseudoxanthoma elasticum, forme fruste. Also called: Pseudoxanthoma Elasticum, Incomplete; PSEUDOXANTHOMA ELASTICUM, HETEROZYGOUS. Identifiers: Orphanet 758, MedGen C1867450, MONDO:0008333, OMIM 177850.

Allele frequency attached by ClinVar (database versions not stated): gnomAD 0.00001; TOPMed 0.00001.
gnomAD v4.1: 2 of 1,613,386 alleles (0.00012%); highest among the groups gnomAD compares: Non-Finnish European, 0.00017%; no homozygotes.

Submissions (5):

MVZ Martinsried, Medicover Genetics
Classification: Pathogenic for Congenital alveolar dysplasia due to TBX4. Last evaluated: 2026-01-16. Review status: criteria provided, single submitter. Criteria: ClinGen Variant Curation SOP V3.2 + Classification Guidance July2025. Collection method: clinical testing. Allele origin: unknown. Affected: yes. Observed: 1 heterozygote.

First Genomix Gene Laboratory, Genetic Diagnostics Department
Classification: Pathogenic for Arterial calcification, generalized, of infancy, 2; Autosomal recessive inherited pseudoxanthoma elasticum. Last evaluated: 2025-04-11. Review status: criteria provided, single submitter. Criteria: ACMG Guidelines, 2015. Collection method: clinical testing. Allele origin: germline. Inheritance: Autosomal recessive inheritance. Affected: no. Observed: 1 variant allele.

Fulgent Genetics
Classification: Likely pathogenic for Pseudoxanthoma elasticum, forme fruste; Autosomal recessive inherited pseudoxanthoma elasticum; Arterial calcification, generalized, of infancy, 2. Last evaluated: 2024-05-01. Review status: criteria provided, single submitter. Criteria: ACMG Guidelines, 2015. Collection method: clinical testing. Allele origin: germline.

Blueprint Genetics
Classification: Likely pathogenic for ABCC6-related disorders. Last evaluated: 2021-09-02. Review status: criteria provided, single submitter. Criteria: ACMG Guidelines, 2015. Collection method: clinical testing. Allele origin: germline. Affected: yes. Observed: 1 variant allele.

PXE International
Classification: Likely pathogenic for Autosomal recessive inherited pseudoxanthoma elasticum. Last evaluated: 2021-03-02. Review status: no assertion criteria provided. Collection method: research. Allele origin: germline. Inheritance: Autosomal recessive inheritance. Affected: yes. Observed: 1 variant allele. Not counted in ClinVar's aggregate classification.